The following is an entry in ClinVar:

NM_033215.5(PPP1R3F):c.1316C>T (p.Ala439Val)

Gene: PPP1R3F (protein phosphatase 1 regulatory subunit 3F; plus strand). Cytogenetic location: Xp11.23.
Variant type: single nucleotide variant.
Coding change: c.1316C>T on transcript NM_033215.5 (MANE Select); coding-DNA position 1316, C replaced by T.
Protein change: p.Ala439Val; replaces alanine 439 with valine.
Molecular consequence: missense variant.
Genome position (GRCh38, 1-based): chrX:49,286,006, C>T. VCF-style: chrX-49286006-C-T. GRCh37 (hg19) VCF-style: chrX-49142468-C-T.
Other names: c.278C>T, p.Ala93Val (NM_001184745.2); short protein forms A439V, A93V.
Identifiers: ClinVar variation 2370124 (VCV002370124.3), dbSNP rs201349831, ClinGen allele CA10412114.
Genomic context (GRCh38, chrX:49,286,006, plus strand): 5'-CCTCCTCCCCTCTCTGTGGCCTGGGTGGCTCCCCCAGAGACCAGGCCTCAGGGCCCGATG[C>T]GAGCGAGGGGGCCACCGGGCCTTTCCTGGAGCCCAGTCAGCAGCAGGCAGAGGCCACATG-3'
Protein context (NP_149992.3, residues 429-449): SPRDQASGPD[Ala439Val]SEGATGPFLE

ClinVar aggregate classification (germline): Conflicting classifications of pathogenicity. Review status: criteria provided, conflicting classifications (1 of 4 stars). 2 submissions from 2 submitters: Uncertain significance (1); Likely benign (1). Last evaluated 2026-07-01.

Allele frequency attached by ClinVar (database versions not stated): gnomAD 0.00013; TOPMed 0.00013; ExAC 0.00019; ESP Exome Variant Server 0.00019.
gnomAD v4.1: 161 of 1,182,071 alleles (0.014%); highest among the groups gnomAD compares: Non-Finnish European, 0.016%; no homozygotes.

Submissions (2):

CeGaT Center for Human Genetics Tuebingen
Classification: Likely benign. Last evaluated: 2026-07-01. Review status: criteria provided, single submitter. Criteria: CeGaT Center For Human Genetics Tuebingen Variant Classification Criteria Version 2. Collection method: clinical testing. Allele origin: germline. Affected: yes. Observed: 1 variant allele.
Comment: PPP1R3F: BP4, BS2

Ambry Genetics
Classification: Uncertain significance. Last evaluated: 2021-09-17. Review status: criteria provided, single submitter. Criteria: Ambry Variant Classification Scheme 2023. Collection method: clinical testing. Allele origin: germline.